The following is an entry in ClinVar:

NM_170606.3(KMT2C):c.6892C>G (p.Pro2298Ala)

Gene: KMT2C (lysine methyltransferase 2C; minus strand). Cytogenetic location: 7q36.1.
Variant type: single nucleotide variant.
Coding change: c.6892C>G on transcript NM_170606.3 (MANE Select); coding-DNA position 6892, C replaced by G.
Protein change: p.Pro2298Ala; replaces proline 2298 with alanine.
Molecular consequence: missense variant.
Genome position (GRCh38, 1-based): chr7:152,180,968, G>C on the plus strand (C>G on the coding strand, the complement: KMT2C is on the minus strand). VCF-style: chr7-152180968-G-C. GRCh37 (hg19) VCF-style: chr7-151878053-G-C.
Other names: short protein forms P2298A.
Identifiers: ClinVar variation 4821998 (VCV004821998.4).

ClinVar aggregate classification (germline): Likely benign (1 of 4 stars; one submission).

gnomAD v4.1: 4 of 1,614,054 alleles (0.00025%); highest among the groups gnomAD compares: Non-Finnish European, 0.00034%; no homozygotes.

Submission:

CeGaT Center for Human Genetics Tuebingen
Classification: Likely benign. Last evaluated: 2026-02-01. Review status: criteria provided, single submitter. Criteria: CeGaT Center For Human Genetics Tuebingen Variant Classification Criteria Version 2. Collection method: clinical testing. Allele origin: germline. Affected: yes. Observed: 1 variant allele.
Comment: KMT2C: BP1, BP4, BS2